The following is an entry in ClinVar:

ClinVar aggregate classification (germline): Pathogenic (1 of 4 stars; one submission).

Submission:

Labcorp Genetics (formerly Invitae), Labcorp
Classification: Pathogenic. Last evaluated: 2024-04-15. Review status: criteria provided, single submitter. Criteria: Invitae Variant Classification Sherloc (09022015). Collection method: clinical testing. Allele origin: germline.
Comment: This sequence change creates a premature translational stop signal (p.Leu870*) in the MCM3AP gene. It is expected to result in an absent or disrupted protein product. Loss-of-function variants in MCM3AP are known to be pathogenic (PMID: 28633435). This variant is not present in population databases (gnomAD no frequency). This variant has not been reported in the literature in individuals affected with MCM3AP-related conditions. For these reasons, this variant has been classified as Pathogenic.

Literature cited by the submitters: PubMed 28633435.

NM_003906.5(MCM3AP):c.2609T>G (p.Leu870Ter)

Gene: MCM3AP (minichromosome maintenance complex component 3 associated protein; minus strand). Cytogenetic location: 21q22.3.
Variant type: single nucleotide variant.
Coding change: c.2609T>G on transcript NM_003906.5 (MANE Select); coding-DNA position 2609, T replaced by G.
Protein change: p.Leu870Ter; replaces leucine 870 with a stop codon.
Molecular consequence: nonsense.
Genome position (GRCh38, 1-based): chr21:46,270,420, A>C on the plus strand (T>G on the coding strand, the complement: MCM3AP is on the minus strand). VCF-style: chr21-46270420-A-C. GRCh37 (hg19) VCF-style: chr21-47690334-A-C.
Other names: short protein forms L870*.
Identifiers: ClinVar variation 2994174 (VCV002994174.3), dbSNP rs1569074977, ClinGen allele CA410565702.